The following is an entry in ClinVar:

ClinVar aggregate classification (germline): Uncertain significance (1 of 4 stars; one submission).

Submission:

CeGaT Center for Human Genetics Tuebingen
Classification: Uncertain significance. Last evaluated: 2024-09-01. Review status: criteria provided, single submitter. Criteria: CeGaT Center For Human Genetics Tuebingen Variant Classification Criteria Version 2. Collection method: clinical testing. Allele origin: germline. Affected: yes. Observed: 1 variant allele.
Comment: XRCC2: PM2, PVS1:Moderate

NM_005431.2(XRCC2):c.626del (p.Pro209fs)

Gene: XRCC2 (X-ray repair cross complementing 2; minus strand). Cytogenetic location: 7q36.1.
Variant type: Deletion.
Coding change: c.626del on transcript NM_005431.2 (MANE Select); coding-DNA position 626, one base deleted (C; older notation c.626delC).
Protein change: p.Pro209fs; shifts the reading frame from proline 209.
Molecular consequence: frameshift variant.
Genome position (GRCh38, 1-based): chr7:152,648,859, G deleted on the plus strand (C on the coding strand, the reverse complement: XRCC2 is on the minus strand); the first of 2 consecutive G bases (chr7:152,648,859-152,648,860); deleting either gives the same sequence. VCF-style (leftmost placement, unchanged base first): chr7-152648858-AG-A. GRCh37 (hg19) VCF-style: chr7-152345943-AG-A.
Other names: short protein forms P209fs.
Identifiers: ClinVar variation 3389697 (VCV003389697.14).